The following is an entry in ClinVar:

ClinVar aggregate classification (germline): Benign (1 of 4 stars; one submission).

Allele frequency attached by ClinVar (database versions not stated): 1000 Genomes Project 0.13618; 1000 Genomes Project 30x 0.14054; ExAC 0.15415; gnomAD exomes 0.17486; TOPMed 0.17632; gnomAD 0.18099; ESP Exome Variant Server 0.20352.

Submission:

Unidad de Genómica Garrahan, Hospital de Pediatría Garrahan
Classification: Benign. Last evaluated: 2024-01-24. Review status: criteria provided, single submitter. Criteria: ACMG Guidelines, 2015. Collection method: clinical testing. Allele origin: germline. Affected: no. Observed: 20 variant alleles.
Comment: This variant is classified as Benign based on local population frequency. This variant was detected in 23% of patients studied by a panel of primary immunodeficiencies. Number of patients: 20. Only high quality variants are reported.

NM_152266.5(FAAP24):c.106+17C>T

Gene: FAAP24 (FA core complex associated protein 24; plus strand). Cytogenetic location: 19q13.11.
Variant type: single nucleotide variant.
Coding change: c.106+17C>T on transcript NM_152266.5 (MANE Select); 17 bases into the intron after coding-DNA position 106, C replaced by T.
Molecular consequence: intron variant.
Genome position (GRCh38, 1-based): chr19:32,973,319, C>T. VCF-style: chr19-32973319-C-T. GRCh37 (hg19) VCF-style: chr19-33464225-C-T.
Other names: c.-42-741C>T (NM_001300978.2).
Identifiers: ClinVar variation 2688491 (VCV002688491.2), dbSNP rs73037453, ClinGen allele CA9360007.